The following is an entry in ClinVar:

NM_004360.5(CDH1):c.1744C>A (p.Leu582Met)

Gene: CDH1 (cadherin 1; plus strand). Cytogenetic location: 16q22.1.
Variant type: single nucleotide variant.
Coding change: c.1744C>A on transcript NM_004360.5 (MANE Select); coding-DNA position 1744, C replaced by A.
Protein change: p.Leu582Met; replaces leucine 582 with methionine.
Molecular consequence: missense variant. On other transcripts: 5 prime UTR variant (1).
Genome position (GRCh38, 1-based): chr16:68,822,033, C>A. VCF-style: chr16-68822033-C-A. GRCh37 (hg19) VCF-style: chr16-68855936-C-A.
Other names: c.1744C>A (LRG_301t1); c.1561C>A, p.Leu521Met (NM_001317184.2); c.196C>A, p.Leu66Met (NM_001317185.2); c.-222C>A (NM_001317186.2); short protein forms L582M, L66M, L521M.
Identifiers: ClinVar variation 532462 (VCV000532462.12), dbSNP rs1801025, ClinGen allele CA396466389.
Genomic context (GRCh38, chr16:68,822,033, plus strand): 5'-GCCACATTTTCTGTGTATTTTCTCTTAGGTTCTCCAGTTGCTACTGGAACAGGGACACTT[C>A]TGCTGATCCTGTCTGATGTGAATGACAACGCCCCCATACCAGAACCTCGAACTATATTCT-3'
Protein context (NP_004351.1, residues 572-592): SPVATGTGTL[Leu582Met]LILSDVNDNA

ClinVar aggregate classification (germline): Conflicting classifications of pathogenicity. Review status: criteria provided, conflicting classifications (1 of 4 stars). 2 submissions from 2 submitters: Uncertain significance (1); Likely benign (1). Last evaluated 2026-03-25.

Conditions:
Hereditary cancer-predisposing syndrome. Also called: Tumor predisposition; Hereditary neoplastic syndrome; Neoplastic Syndromes, Hereditary; Hereditary Cancer Syndrome. Identifiers: Orphanet 140162, MedGen C0027672, MeSH D009386, MONDO:0015356.
Hereditary diffuse gastric adenocarcinoma (HDGC). Also called: DIFFUSE GASTRIC AND LOBULAR BREAST CANCER SYNDROME. Identifiers: Orphanet 26106, MedGen C1708349, MONDO:0007648, OMIM 137215.

Submissions (2):

Ambry Genetics
Classification: Likely benign for Hereditary cancer-predisposing syndrome. Last evaluated: 2026-03-25. Review status: criteria provided, single submitter. Criteria: Ambry Variant Classification Scheme 2023. Collection method: clinical testing. Allele origin: germline.

Labcorp Genetics (formerly Invitae), Labcorp
Classification: Uncertain significance for Hereditary diffuse gastric adenocarcinoma. Last evaluated: 2021-08-22. Review status: criteria provided, single submitter. Criteria: Invitae Variant Classification Sherloc (09022015). Collection method: clinical testing. Allele origin: germline.
Comment: In summary, the available evidence is currently insufficient to determine the role of this variant in disease. Therefore, it has been classified as a Variant of Uncertain Significance. This sequence change replaces leucine with methionine at codon 582 of the CDH1 protein (p.Leu582Met). The leucine residue is moderately conserved and there is a small physicochemical difference between leucine and methionine. Algorithms developed to predict the effect of missense changes on protein structure and function do not agree on the potential impact of this missense change (SIFT: "Tolerated"; PolyPhen-2: "Probably Damaging"; Align-GVGD: "Class C0"). This variant has not been reported in the literature in individuals with CDH1-related disease. This variant is not present in population databases (ExAC no frequency).